The following is an entry in ClinVar:

NM_002601.4(PDE6D):c.328G>A (p.Glu110Lys)

Gene: PDE6D (phosphodiesterase 6D; minus strand). Cytogenetic location: 2q37.1.
Variant type: single nucleotide variant.
Coding change: c.328G>A on transcript NM_002601.4 (MANE Select); coding-DNA position 328, G replaced by A.
Protein change: p.Glu110Lys; replaces glutamic acid 110 with lysine.
Molecular consequence: missense variant. On other transcripts: intron variant (1).
Genome position (GRCh38, 1-based): chr2:231,737,230, C>T on the plus strand (G>A on the coding strand, the complement: PDE6D is on the minus strand). VCF-style: chr2-231737230-C-T. GRCh37 (hg19) VCF-style: chr2-232601940-C-T.
Other names: c.265+783G>A (NM_001291018.2); short protein forms E110K.
Identifiers: ClinVar variation 1392287 (VCV001392287.8), dbSNP rs1023549002, ClinGen allele CA66888801.

ClinVar aggregate classification (germline): Uncertain significance (1 of 4 stars; one submission).

Conditions:
Joubert syndrome 22 (JBTS22). Identifiers: Orphanet 2754, MedGen C3810278, MONDO:0014297, OMIM 615665.

Allele frequency attached by ClinVar (database versions not stated): gnomAD exomes below 0.00001.
gnomAD v4.1: 15 of 1,613,006 alleles (0.00093%); highest among the groups gnomAD compares: Admixed American, 0.0017%; no homozygotes.

Submission:

Labcorp Genetics (formerly Invitae), Labcorp
Classification: Uncertain significance for Joubert syndrome 22. Last evaluated: 2022-09-06. Review status: criteria provided, single submitter. Criteria: Invitae Variant Classification Sherloc (09022015). Collection method: clinical testing. Allele origin: germline.
Comment: This variant has not been reported in the literature in individuals affected with PDE6D-related conditions. This variant is present in population databases (no rsID available, gnomAD 0.0009%). This sequence change replaces glutamic acid, which is acidic and polar, with lysine, which is basic and polar, at codon 110 of the PDE6D protein (p.Glu110Lys). ClinVar contains an entry for this variant (Variation ID: 1392287). In summary, the available evidence is currently insufficient to determine the role of this variant in disease. Therefore, it has been classified as a Variant of Uncertain Significance. Algorithms developed to predict the effect of missense changes on protein structure and function (SIFT, PolyPhen-2, Align-GVGD) all suggest that this variant is likely to be disruptive.